The following is an entry in ClinVar:

ClinVar aggregate classification (germline): Uncertain significance (1 of 4 stars; one submission).

Conditions:
Hereditary cancer-predisposing syndrome. Also called: Neoplastic Syndromes, Hereditary; Tumor predisposition; Hereditary Cancer Syndrome; Hereditary neoplastic syndrome. Identifiers: Orphanet 140162, MedGen C0027672, MeSH D009386, MONDO:0015356.

Submission:

Ambry Genetics
Classification: Uncertain significance for Hereditary cancer-predisposing syndrome. Last evaluated: 2020-01-30. Review status: criteria provided, single submitter. Criteria: Ambry Variant Classification Scheme 2023. Collection method: clinical testing. Allele origin: germline.
Comment: The p.G137S variant (also known as c.409G>A), located in coding exon 5 of the MAX gene, results from a G to A substitution at nucleotide position 409. The glycine at codon 137 is replaced by serine, an amino acid with similar properties. This amino acid position is highly conserved in available vertebrate species. In addition, this alteration is predicted to be deleterious by in silico analysis. Since supporting evidence is limited at this time, the clinical significance of this alteration remains unclear.

NM_002382.5(MAX):c.409G>A (p.Gly137Ser)

Gene: MAX (MYC associated transcriptional regulator X; minus strand). Cytogenetic location: 14q23.3.
Variant type: single nucleotide variant.
Coding change: c.409G>A on transcript NM_002382.5 (MANE Select); coding-DNA position 409, G replaced by A.
Protein change: p.Gly137Ser; replaces glycine 137 with serine.
Molecular consequence: missense variant. On other transcripts: 3 prime UTR variant (1), intron variant (2).
Genome position (GRCh38, 1-based): chr14:65,076,550, C>T on the plus strand (G>A on the coding strand, the complement: MAX is on the minus strand). VCF-style: chr14-65076550-C-T. GRCh37 (hg19) VCF-style: chr14-65543268-C-T.
Other names: c.220G>A, p.Gly74Ser (NM_001320415.2, NM_001407105.1, NM_001407106.1 and 1 more transcripts); c.409G>A, p.Gly137Ser (NM_001407094.1); c.382G>A, p.Gly128Ser (NM_001407095.1, NM_145112.3); c.*182G>A (NM_001407096.1, NM_001407099.1, NM_001407102.1 and 2 more transcripts); c.*198G>A (NM_001407097.1, NM_001407100.1, NM_001407101.1 and 4 more transcripts); c.301G>A, p.Gly101Ser (NM_001407098.1); c.208G>A, p.Gly70Ser (NM_001407111.1, NM_001407112.1); c.144+17158G>A (NM_001271069.2); and 1 more; short protein forms G101S, G70S, G128S, G74S, G137S.
Identifiers: ClinVar variation 1737818 (VCV001737818.2), dbSNP rs17852278, ClinGen allele CA390031492.